The following is an entry in ClinVar:

ClinVar aggregate classification (germline): Uncertain significance (1 of 4 stars; one submission).

Conditions:
Hypertrophic cardiomyopathy. Also called: HYPERTROPHIC MYOCARDIOPATHY. Identifiers: Orphanet 217569, MedGen C0007194, MeSH D002312, MONDO:0005045, HP:0001639.

Submission:

Labcorp Genetics (formerly Invitae), Labcorp
Classification: Uncertain significance for Hypertrophic cardiomyopathy. Last evaluated: 2022-03-19. Review status: criteria provided, single submitter. Criteria: Invitae Variant Classification Sherloc (09022015). Collection method: clinical testing. Allele origin: germline.
Comment: In summary, the available evidence is currently insufficient to determine the role of this variant in disease. Therefore, it has been classified as a Variant of Uncertain Significance. Algorithms developed to predict the effect of missense changes on protein structure and function are either unavailable or do not agree on the potential impact of this missense change (SIFT: "Deleterious"; PolyPhen-2: "Possibly Damaging"; Align-GVGD: "Class C0"). ClinVar contains an entry for this variant (Variation ID: 566842). This variant has not been reported in the literature in individuals affected with MYH7-related conditions. This variant is not present in population databases (gnomAD no frequency). This sequence change replaces glutamic acid, which is acidic and polar, with lysine, which is basic and polar, at codon 374 of the MYH7 protein (p.Glu374Lys).

NM_000257.4(MYH7):c.1120G>A (p.Glu374Lys)

Gene: MYH7 (myosin heavy chain 7; minus strand). Cytogenetic location: 14q11.2.
Variant type: single nucleotide variant.
Coding change: c.1120G>A on transcript NM_000257.4 (MANE Select); coding-DNA position 1120, G replaced by A.
Protein change: p.Glu374Lys; replaces glutamic acid 374 with lysine.
Molecular consequence: missense variant.
Genome position (GRCh38, 1-based): chr14:23,429,793, C>T on the plus strand (G>A on the coding strand, the complement: MYH7 is on the minus strand). VCF-style: chr14-23429793-C-T. GRCh37 (hg19) VCF-style: chr14-23899002-C-T.
Other names: short protein forms E374K.
Identifiers: ClinVar variation 566842 (VCV000566842.8), dbSNP rs1566535805, ClinGen allele CA389051311.